The following is an entry in ClinVar:

NM_001171.6(ABCC6):c.3207C>T (p.Tyr1069=)

Gene: ABCC6 (ATP binding cassette subfamily C member 6; minus strand). Cytogenetic location: 16p13.11.
Variant type: single nucleotide variant.
Coding change: c.3207C>T on transcript NM_001171.6 (MANE Select); coding-DNA position 3207, C replaced by T.
Protein change: p.Tyr1069=; no amino-acid change (tyrosine 1069 retained).
Molecular consequence: synonymous variant. On other transcripts: non-coding transcript variant (1).
Genome position (GRCh38, 1-based): chr16:16,165,722, G>A on the plus strand (C>T on the coding strand, the complement: ABCC6 is on the minus strand). VCF-style: chr16-16165722-G-A. GRCh37 (hg19) VCF-style: chr16-16259579-G-A.
Other names: p.Tyr1069=; c.2865C>T, p.Tyr955= (NM_001351800.1).
Identifiers: ClinVar variation 775105 (VCV000775105.48), dbSNP rs60975032, ClinGen allele CA7925660.
Genomic context (GRCh38, chr16:16,165,722, plus strand): 5'-CACAGTGGCCAGTGGGGTAGCCACTGCCACCACCAGGCTGACCTCCAGGAGTCCAAAGGC[G>A]TACATCAGCAGGGACCGGAGTTTGTCTGGAATGTCCACGTCAACCGTGTCTGTCTCCTTG-3'
Protein context (NP_001162.5, residues 1059-1079): IPDKLRSLLM[Tyr1069=]AFGLLEVSLV

ClinVar aggregate classification (germline): Benign/Likely benign. Review status: criteria provided, multiple submitters, no conflicts (2 of 4 stars). 9 submissions from 7 submitters: Benign (4); Likely benign (5). Last evaluated 2026-09-01.

Conditions:
Pseudoxanthoma elasticum, forme fruste. Also called: Pseudoxanthoma Elasticum, Incomplete; PSEUDOXANTHOMA ELASTICUM, HETEROZYGOUS. Identifiers: Orphanet 758, MedGen C1867450, MONDO:0008333, OMIM 177850.
Arterial calcification, generalized, of infancy, 2. Identifiers: Orphanet 51608, MedGen C3276161, MONDO:0013768, OMIM 614473.
Autosomal recessive inherited pseudoxanthoma elasticum (PXE). Identifiers: Orphanet 758, MedGen CN032334, MONDO:0009925, OMIM 264800.

Allele frequency attached by ClinVar (database versions not stated): 1000 Genomes Project 30x 0.00109; 1000 Genomes Project 0.00120; ExAC 0.00437; TOPMed 0.00463; gnomAD 0.00478 and 0.00510; ESP Exome Variant Server 0.00600.
gnomAD v4.1: 11,086 of 1,613,670 alleles (0.69%); highest among the groups gnomAD compares: Non-Finnish European, 0.85%; 82 homozygotes.

Submissions (9):

CeGaT Center for Human Genetics Tuebingen
Classification: Likely benign. Last evaluated: 2026-09-01. Review status: criteria provided, single submitter. Criteria: CeGaT Center For Human Genetics Tuebingen Variant Classification Criteria Version 2. Collection method: clinical testing. Allele origin: germline. Affected: yes. Observed: 33 variant alleles.
Comment: ABCC6: BP4, BP7, BS2

Labcorp Genetics (formerly Invitae), Labcorp
Classification: Benign. Last evaluated: 2026-02-01. Review status: criteria provided, single submitter. Criteria: Invitae Variant Classification Sherloc (09022015). Collection method: clinical testing. Allele origin: germline.

Mayo Clinic Laboratories, Mayo Clinic
Classification: Likely benign. Last evaluated: 2025-02-18. Review status: criteria provided, single submitter. Criteria: ACMG Guidelines, 2015. Collection method: clinical testing. Allele origin: germline. Observed: 2 variant alleles.
Comment: BS1, BP4, BP7

Blueprint Genetics
Classification: Likely benign. Last evaluated: 2024-11-27. Review status: criteria provided, single submitter. Criteria: ACMG Guidelines, 2015. Collection method: clinical testing. Allele origin: germline.

Genome-Nilou Lab
Classification: Benign for Arterial calcification, generalized, of infancy, 2. Last evaluated: 2021-12-05. Review status: criteria provided, single submitter. Criteria: ACMG Guidelines, 2015. Collection method: clinical testing. Allele origin: germline. Affected: no.

Genome-Nilou Lab
Classification: Benign for Autosomal recessive inherited pseudoxanthoma elasticum. Last evaluated: 2021-12-05. Review status: criteria provided, single submitter. Criteria: ACMG Guidelines, 2015. Collection method: clinical testing. Allele origin: germline. Affected: no.

Genome-Nilou Lab
Classification: Benign for Pseudoxanthoma elasticum, forme fruste. Last evaluated: 2021-12-05. Review status: criteria provided, single submitter. Criteria: ACMG Guidelines, 2015. Collection method: clinical testing. Allele origin: germline. Affected: no.

GeneDx
Classification: Likely benign. Last evaluated: 2018-08-02. Review status: criteria provided, single submitter. Criteria: GeneDx Variant Classification Process June 2021. Collection method: clinical testing. Allele origin: germline. Affected: yes.

Breakthrough Genomics
Classification: Likely benign. Review status: criteria provided, single submitter. Criteria: ACMG Guidelines, 2015. Collection method: not provided. Allele origin: germline. Inheritance: Autosomal recessive inheritance. Affected: yes.